The following is an entry in ClinVar:

ClinVar aggregate classification (germline): Uncertain significance. Review status: criteria provided, multiple submitters, no conflicts (2 of 4 stars). 2 submissions from 2 submitters: Uncertain significance (2). Last evaluated 2025-04-04.

Conditions:
Familial focal epilepsy with variable foci (FPEVF). Identifiers: Orphanet 98820, MedGen C1858477, MONDO:0020310.

Submissions (2):

Mayo Clinic Laboratories, Mayo Clinic
Classification: Uncertain significance. Last evaluated: 2025-04-04. Review status: criteria provided, single submitter. Criteria: ACMG Guidelines, 2015. Collection method: clinical testing. Allele origin: germline. Observed: 1 variant allele.
Comment: PM2_supporting, PM4

Labcorp Genetics (formerly Invitae), Labcorp
Classification: Uncertain significance for Familial focal epilepsy with variable foci. Last evaluated: 2024-12-28. Review status: criteria provided, single submitter. Criteria: Invitae Variant Classification Sherloc (09022015). Collection method: clinical testing. Allele origin: germline.
Comment: This variant, c.2046_2048del, results in the deletion of 1 amino acid(s) of the DEPDC5 protein (p.Phe682del), but otherwise preserves the integrity of the reading frame. This variant is not present in population databases (gnomAD no frequency). This variant has not been reported in the literature in individuals affected with DEPDC5-related conditions. Experimental studies and prediction algorithms are not available or were not evaluated, and the functional significance of this variant is currently unknown. In summary, the available evidence is currently insufficient to determine the role of this variant in disease. Therefore, it has been classified as a Variant of Uncertain Significance.

NM_001242896.3(DEPDC5):c.2043CTT[1] (p.Phe682del)

Gene: DEPDC5 (DEP domain containing 5, GATOR1 subcomplex subunit; plus strand). Cytogenetic location: 22q12.3.
Variant type: Microsatellite.
Coding change: c.2043CTT[1] on transcript NM_001242896.3 (MANE Select); one copy of the 3-base unit CTT starting at c.2043; the reference has two copies in a row; one copy, 3 bases deleted; also written c.2046_2048del.
Protein change: p.Phe682del; deletes phenylalanine 682.
Molecular consequence: non-coding transcript variant (on NR_157126.2). On other transcripts: intron variant (3).
Genome position (GRCh38, 1-based): chr22:31,822,732-31,822,734, CTT deleted; deleting any 3 consecutive bases within chr22:31,822,729-31,822,734 gives the same sequence; the position shown is the placement nearest the transcript's 3' end. VCF-style (leftmost placement, unchanged base first): chr22-31822728-CCTT-C. GRCh37 (hg19) VCF-style: chr22-32218714-CCTT-C.
Other names: p.Phe682del; c.1870+3507_1870+3509del (NM_001363854.2, NM_001242897.2, NM_001364319.2); c.2043CTT[1], p.Phe682del (NM_001136029.4, NM_001363852.2, NM_001364318.2 and 3 more transcripts); c.1959CTT[1], p.Phe654del (NM_001369901.1, NM_001369902.1); c.2046_2048del (NM_001242896.3); short protein forms F654del, F682del.
Identifiers: ClinVar variation 3680159 (VCV003680159.3).
Genomic context (GRCh38, chr22:31,822,728, plus strand): 5'-GGTGGCTGGGCTCTGTTCTCTGCAGGCACAGCAATTCCCGCCAGCCTGGTGACGGCATGT[CCTT>C]CTTGAACTTCAGTGGAACAGAGGAGCTTTCTGTCGGCCTGCTTAGCAACAGTGGTGCAGG-3'